The following is an entry in ClinVar:

ClinVar aggregate classification (germline): Likely benign. Review status: criteria provided, multiple submitters, no conflicts (2 of 4 stars). 2 submissions from 2 submitters: Likely benign (2). Last evaluated 2025-12-23.

gnomAD v4.1: 2 of 1,612,012 alleles (0.00012%); highest among the groups gnomAD compares: East Asian, 0.0045%; no homozygotes.

Submissions (2):

Labcorp Genetics (formerly Invitae), Labcorp
Classification: Likely benign. Last evaluated: 2025-12-23. Review status: criteria provided, single submitter. Criteria: Invitae Variant Classification Sherloc (09022015). Collection method: clinical testing. Allele origin: germline.

CeGaT Center for Human Genetics Tuebingen
Classification: Likely benign. Last evaluated: 2025-07-01. Review status: criteria provided, single submitter. Criteria: CeGaT Center For Human Genetics Tuebingen Variant Classification Criteria Version 2. Collection method: clinical testing. Allele origin: germline. Affected: yes. Observed: 2 variant alleles.
Comment: CPAP: BP4, BP7

NM_018451.5(CPAP):c.777G>C (p.Ala259=)

Gene: CPAP (centrosome assembly and centriole elongation protein; minus strand). Cytogenetic location: 13q12.13.
Variant type: single nucleotide variant.
Coding change: c.777G>C on transcript NM_018451.5 (MANE Select); coding-DNA position 777, G replaced by C.
Protein change: p.Ala259=; no amino-acid change (alanine 259 retained).
Molecular consequence: synonymous variant. On other transcripts: non-coding transcript variant (2).
Genome position (GRCh38, 1-based): chr13:24,909,878, C>G on the plus strand (G>C on the coding strand, the complement: CPAP is on the minus strand). VCF-style: chr13-24909878-C-G. GRCh37 (hg19) VCF-style: chr13-25484016-C-G.
Identifiers: ClinVar variation 1594465 (VCV001594465.32), dbSNP rs748696673, ClinGen allele CA247085507.